The following is an entry in ClinVar:

ClinVar aggregate classification (germline): Uncertain significance (1 of 4 stars; one submission).

Allele frequency attached by ClinVar (database versions not stated): TOPMed 0.00002.

Submission:

Labcorp Genetics (formerly Invitae), Labcorp
Classification: Uncertain significance. Last evaluated: 2022-08-29. Review status: criteria provided, single submitter. Criteria: Invitae Variant Classification Sherloc (09022015). Collection method: clinical testing. Allele origin: germline.
Comment: In summary, the available evidence is currently insufficient to determine the role of this variant in disease. Therefore, it has been classified as a Variant of Uncertain Significance. Algorithms developed to predict the effect of missense changes on protein structure and function (SIFT, PolyPhen-2, Align-GVGD) all suggest that this variant is likely to be disruptive. ClinVar contains an entry for this variant (Variation ID: 966804). This variant has not been reported in the literature in individuals affected with SLC7A14-related conditions. This variant is not present in population databases (gnomAD no frequency). This sequence change replaces proline, which is neutral and non-polar, with serine, which is neutral and polar, at codon 384 of the SLC7A14 protein (p.Pro384Ser).

NM_020949.3(SLC7A14):c.1150C>T (p.Pro384Ser)

Genes: SLC7A14 (solute carrier family 7 member 14; minus strand), SLC7A14-AS1 (SLC7A14 antisense RNA 1; plus strand). Cytogenetic location: 3q26.2.
Variant type: single nucleotide variant.
Coding change: c.1150C>T on transcript NM_020949.3 (MANE Select); coding-DNA position 1150, C replaced by T.
Protein change: p.Pro384Ser; replaces proline 384 with serine.
Molecular consequence: missense variant.
Genome position (GRCh38, 1-based): chr3:170,481,132, G>A on the plus strand (C>T on the coding strand, the complement: SLC7A14 is on the minus strand). VCF-style: chr3-170481132-G-A. GRCh37 (hg19) VCF-style: chr3-170198921-G-A.
Other names: short protein forms P384S.
Identifiers: ClinVar variation 966804 (VCV000966804.9), dbSNP rs1004125063, ClinGen allele CA87710638.
Genomic context (GRCh38, chr3:170,481,132, plus strand): 5'-AGCTGACCAACAGTGCGAGGAGCGCTGCCAGGAACCCCGACACGATGCAGGCCACCACTG[G>A]TGTCTCTGTGTAGGAGCTGACGTGAGCCAGGAACCTGGAGGGGCCGGGCAAGCAGAGGGT-3'
Protein context (NP_066000.2, residues 374-394): LAHVSSYTET[Pro384Ser]VVACIVSGFL